The following is an entry in ClinVar:

ClinVar aggregate classification (germline): Uncertain significance (1 of 4 stars; one submission).

Conditions:
Autosomal recessive axonal neuropathy with neuromyotonia (NMAN). Also called: MYOKYMIA, MYOTONIA, AND MUSCLE WASTING; Gamstorp-Wohlfart syndrome; Neuromyotonia and axonal neuropathy, autosomal recessive. Identifiers: Orphanet 324442, MedGen C5700127, MONDO:0007646, OMIM 137200.

Allele frequency attached by ClinVar (database versions not stated): gnomAD exomes below 0.00001 and 0.00001; TOPMed below 0.00001; ExAC 0.00002.
gnomAD v4.1: 4 of 1,609,582 alleles (0.00025%); highest among the groups gnomAD compares: Non-Finnish European, 0.00034%; no homozygotes.

Submission:

Labcorp Genetics (formerly Invitae), Labcorp
Classification: Uncertain significance for Autosomal recessive axonal neuropathy with neuromyotonia. Last evaluated: 2020-09-20. Review status: criteria provided, single submitter. Criteria: Invitae Variant Classification Sherloc (09022015). Collection method: clinical testing. Allele origin: germline.
Comment: In summary, the available evidence is currently insufficient to determine the role of this variant in disease. Therefore, it has been classified as a Variant of Uncertain Significance. Algorithms developed to predict the effect of missense changes on protein structure and function (SIFT, PolyPhen-2, Align-GVGD) all suggest that this variant is likely to be tolerated, but these predictions have not been confirmed by published functional studies and their clinical significance is uncertain. This variant has not been reported in the literature in individuals with HINT1-related conditions. This variant is present in population databases (rs750027964, ExAC 0.005%). This sequence change replaces glutamic acid with lysine at codon 71 of the HINT1 protein (p.Glu71Lys). The glutamic acid residue is moderately conserved and there is a small physicochemical difference between glutamic acid and lysine.

NM_005340.7(HINT1):c.211G>A (p.Glu71Lys)

Gene: HINT1 (histidine triad nucleotide binding protein 1; minus strand). Cytogenetic location: 5q23.3.
Variant type: single nucleotide variant.
Coding change: c.211G>A on transcript NM_005340.7 (MANE Select); coding-DNA position 211, G replaced by A.
Protein change: p.Glu71Lys; replaces glutamic acid 71 with lysine.
Molecular consequence: missense variant. On other transcripts: non-coding transcript variant (5).
Genome position (GRCh38, 1-based): chr5:131,162,577, C>T on the plus strand (G>A on the coding strand, the complement: HINT1 is on the minus strand). VCF-style: chr5-131162577-C-T. GRCh37 (hg19) VCF-style: chr5-130498270-C-T.
Other names: short protein forms E71K.
Identifiers: ClinVar variation 1061705 (VCV001061705.9), dbSNP rs750027964, ClinGen allele CA3398609.